The following is an entry in ClinVar:

ClinVar aggregate classification (germline): Uncertain significance (1 of 4 stars; one submission).

Conditions:
Amyotrophic lateral sclerosis type 8 (ALS8). Identifiers: Orphanet 803, MedGen C1837728, MONDO:0012077, OMIM 608627.
Adult-onset proximal spinal muscular atrophy, autosomal dominant. Also called: FINKEL LATE-ADULT TYPE SMA; Spinal muscular atrophy, late-onset, finkel type. Identifiers: Orphanet 209335, MedGen C1854058, MONDO:0008453, OMIM 182980.

Submission:

Labcorp Genetics (formerly Invitae), Labcorp
Classification: Uncertain significance for Adult-onset proximal spinal muscular atrophy, autosomal dominant; Amyotrophic lateral sclerosis type 8. Last evaluated: 2025-12-21. Review status: criteria provided, single submitter. Criteria: Invitae Variant Classification Sherloc (09022015). Collection method: clinical testing. Allele origin: germline.
Comment: This sequence change replaces lysine, which is basic and polar, with threonine, which is neutral and polar, at codon 188 of the VAPB protein (p.Lys188Thr). This variant is present in population databases (no rsID available, gnomAD 0.006%). This variant has not been reported in the literature in individuals affected with VAPB-related conditions. Invitae Evidence Modeling of protein sequence and biophysical properties (such as structural, functional, and spatial information, amino acid conservation, physicochemical variation, residue mobility, and thermodynamic stability) indicates that this missense variant is not expected to disrupt VAPB protein function with a negative predictive value of 80%. In summary, the available evidence is currently insufficient to determine the role of this variant in disease. Therefore, it has been classified as a Variant of Uncertain Significance.

NM_004738.5(VAPB):c.563A>C (p.Lys188Thr)

Gene: VAPB (VAMP associated protein B and C; plus strand). Cytogenetic location: 20q13.32.
Variant type: single nucleotide variant.
Coding change: c.563A>C on transcript NM_004738.5 (MANE Select); coding-DNA position 563, A replaced by C.
Protein change: p.Lys188Thr; replaces lysine 188 with threonine.
Molecular consequence: missense variant. On other transcripts: non-coding transcript variant (1), intron variant (1).
Genome position (GRCh38, 1-based): chr20:58,441,073, A>C. VCF-style: chr20-58441073-A-C. GRCh37 (hg19) VCF-style: chr20-57016129-A-C.
Other names: c.212-3004A>C (NM_001195677.2); short protein forms K188T.
Identifiers: ClinVar variation 4783010 (VCV004783010.1).
Genomic context (GRCh38, chr20:58,441,073, plus strand): 5'-AGGTTATGGAAGAATGTAAGAGGCTGCAAGGTGAAGTTCAGAGGCTACGGGAGGAGAACA[A>C]GCAGTTCAAGGTAATAGTTTATTTTCTGGTAATCTACAGAAAACAAGGGCGTTTTCACTA-3'
Protein context (NP_004729.1, residues 178-198): GEVQRLREEN[Lys188Thr]QFKEEDGLRM